The following is an entry in ClinVar:

NM_000180.4(GUCY2D):c.802C>A (p.Leu268Met)

Gene: GUCY2D (guanylate cyclase 2D, retinal; plus strand). Cytogenetic location: 17p13.1.
Variant type: single nucleotide variant.
Coding change: c.802C>A on transcript NM_000180.4 (MANE Select); coding-DNA position 802, C replaced by A.
Protein change: p.Leu268Met; replaces leucine 268 with methionine.
Molecular consequence: missense variant.
Genome position (GRCh38, 1-based): chr17:8,003,932, C>A. VCF-style: chr17-8003932-C-A. GRCh37 (hg19) VCF-style: chr17-7907250-C-A.
Other names: c.802C>A (NM_000180.3); short protein forms L268M.
Identifiers: ClinVar variation 1055681 (VCV001055681.7), dbSNP rs780014587, ClinGen allele CA8365571.

ClinVar aggregate classification (germline): Uncertain significance. Review status: criteria provided, multiple submitters, no conflicts (2 of 4 stars). 2 submissions from 2 submitters: Uncertain significance (2). Last evaluated 2026-01-08.

Conditions:
Inborn genetic diseases. Identifiers: MedGen C0950123, MeSH D030342.
Leber congenital amaurosis 1 (LCA1). Also called: Congenital absence of the rods and cones; Leber's congenital tapetoretinal degeneration; Leber's congenital tapetoretinal dysplasia; AMAUROSIS CONGENITA OF LEBER I; RETINAL BLINDNESS, CONGENITAL. Identifiers: Orphanet 65, MedGen C2931258, MONDO:0008764, OMIM 204000.
Cone-rod dystrophy 6 (CORD6). Also called: Cone dystrophy progressive; RETINAL CONE DYSTROPHY 2. Identifiers: Orphanet 1872, MedGen C1866293, MONDO:0011143, OMIM 601777.

Allele frequency attached by ClinVar (database versions not stated): gnomAD exomes 0.00001 and 0.00003; ExAC 0.00002; gnomAD 0.00003 and 0.00004; TOPMed 0.00003.
gnomAD v4.1: 53 of 1,613,598 alleles (0.0033%); highest among the groups gnomAD compares: Non-Finnish European, 0.0041%; no homozygotes.

Submissions (2):

Labcorp Genetics (formerly Invitae), Labcorp
Classification: Uncertain significance for Leber congenital amaurosis 1; Cone-rod dystrophy 6. Last evaluated: 2026-01-08. Review status: criteria provided, single submitter. Criteria: Invitae Variant Classification Sherloc (09022015). Collection method: clinical testing. Allele origin: germline.
Comment: This sequence change replaces leucine, which is neutral and non-polar, with methionine, which is neutral and non-polar, at codon 268 of the GUCY2D protein (p.Leu268Met). This variant is present in population databases (rs780014587, gnomAD 0.01%). This variant has not been reported in the literature in individuals affected with GUCY2D-related conditions. ClinVar contains an entry for this variant (Variation ID: 1055681). Invitae Evidence Modeling of protein sequence and biophysical properties (such as structural, functional, and spatial information, amino acid conservation, physicochemical variation, residue mobility, and thermodynamic stability) indicates that this missense variant is not expected to disrupt GUCY2D protein function with a negative predictive value of 80%. In summary, the available evidence is currently insufficient to determine the role of this variant in disease. Therefore, it has been classified as a Variant of Uncertain Significance.

Ambry Genetics
Classification: Uncertain significance for Inborn genetic diseases. Last evaluated: 2021-08-17. Review status: criteria provided, single submitter. Criteria: Ambry Variant Classification Scheme 2023. Collection method: clinical testing. Allele origin: germline.